The following is an entry in ClinVar:

ClinVar aggregate classification (germline): Conflicting classifications of pathogenicity. Review status: criteria provided, conflicting classifications (1 of 4 stars). 3 submissions from 3 submitters: Uncertain significance (1); Benign (1). 1 of the submissions does not count toward it. Last evaluated 2026-01-19.

Conditions:
Inborn genetic diseases. Identifiers: MedGen C0950123, MeSH D030342.
GGCX-related disorder. Also called: GGCX - Related Disorders; GGCX-related condition.

Allele frequency attached by ClinVar (database versions not stated): gnomAD exomes 0.00029 and 0.00068; ExAC 0.00083; 1000 Genomes Project 30x 0.00094; 1000 Genomes Project 0.00120; gnomAD 0.00306 and 0.00332; TOPMed 0.00322; ESP Exome Variant Server 0.00323.
gnomAD v4.1: 903 of 1,613,632 alleles (0.056%); highest among the groups gnomAD compares: African/African-American, 1.1%; 8 homozygotes.

Submissions (3):

Labcorp Genetics (formerly Invitae), Labcorp
Classification: Benign. Last evaluated: 2026-01-19. Review status: criteria provided, single submitter. Criteria: Invitae Variant Classification Sherloc (09022015). Collection method: clinical testing. Allele origin: germline.

Ambry Genetics
Classification: Uncertain significance for Inborn genetic diseases. Last evaluated: 2021-10-12. Review status: criteria provided, single submitter. Criteria: Ambry Variant Classification Scheme 2023. Collection method: clinical testing. Allele origin: germline.

PreventionGenetics, part of Exact Sciences
Classification: Benign for GGCX-related condition. Last evaluated: 2019-11-25. Review status: no assertion criteria provided. Collection method: clinical testing. Allele origin: germline. Not counted in ClinVar's aggregate classification.
Comment: This variant is classified as benign based on ACMG/AMP sequence variant interpretation guidelines (Richards et al. 2015 PMID: 25741868, with internal and published modifications).

NM_000821.7(GGCX):c.1580C>T (p.Thr527Ile)

Gene: GGCX (gamma-glutamyl carboxylase; minus strand). Cytogenetic location: 2p11.2.
Variant type: single nucleotide variant.
Coding change: c.1580C>T on transcript NM_000821.7 (MANE Select); coding-DNA position 1580, C replaced by T.
Protein change: p.Thr527Ile; replaces threonine 527 with isoleucine.
Molecular consequence: missense variant.
Genome position (GRCh38, 1-based): chr2:85,551,841, G>A on the plus strand (C>T on the coding strand, the complement: GGCX is on the minus strand). VCF-style: chr2-85551841-G-A. GRCh37 (hg19) VCF-style: chr2-85778964-G-A.
Other names: c.1409C>T, p.Thr470Ile (NM_001142269.4); c.1580C>T (NM_000821.5); short protein forms T470I, T527I.
Identifiers: ClinVar variation 789561 (VCV000789561.13), dbSNP rs78504541, ClinGen allele CA1741785.